The following is an entry in ClinVar:

ClinVar aggregate classification (germline): Uncertain significance (1 of 4 stars; one submission).

Submission:

Labcorp Genetics (formerly Invitae), Labcorp
Classification: Uncertain significance. Last evaluated: 2023-12-13. Review status: criteria provided, single submitter. Criteria: Invitae Variant Classification Sherloc (09022015). Collection method: clinical testing. Allele origin: germline.
Comment: This variant, c.619_621dup, results in the insertion of 1 amino acid(s) of the ASXL1 protein (p.Ser207dup), but otherwise preserves the integrity of the reading frame. This variant is not present in population databases (gnomAD no frequency). This variant has not been reported in the literature in individuals affected with ASXL1-related conditions. Experimental studies and prediction algorithms are not available or were not evaluated, and the functional significance of this variant is currently unknown. In summary, the available evidence is currently insufficient to determine the role of this variant in disease. Therefore, it has been classified as a Variant of Uncertain Significance.

NM_015338.6(ASXL1):c.610AGC[5] (p.Ser207_Gly208insSer)

Gene: ASXL1 (ASXL transcriptional regulator 1; plus strand). Cytogenetic location: 20q11.21.
Variant type: Microsatellite.
Coding change: c.610AGC[5] on transcript NM_015338.6 (MANE Select); five copies in a row of the 3-base unit AGC starting at c.610; the reference has four copies in a row; one copy, 3 bases duplicated.
Protein change: p.Ser207_Gly208insSer.
Molecular consequence: inframe insertion. On other transcripts: intron variant (1).
Genome position (GRCh38, 1-based): chr20:32,429,954-32,429,956, AGC duplicated; duplicating any 3 consecutive bases within chr20:32,429,944-32,429,956 gives the same sequence; the position shown is the placement nearest the transcript's 3' end. VCF-style (leftmost placement, unchanged base first): chr20-32429943-C-CCAG. GRCh37 (hg19) VCF-style: chr20-31017746-C-CCAG.
Other names: c.535+513CAG[5] (NM_001363734.1).
Identifiers: ClinVar variation 2808210 (VCV002808210.3), dbSNP rs745311249, ClinGen allele CA2739277122.